The following is an entry in ClinVar:

ClinVar aggregate classification (germline): Uncertain significance. Review status: criteria provided, multiple submitters, no conflicts (2 of 4 stars). 3 submissions from 3 submitters: Uncertain significance (3). Last evaluated 2025-05-02.

Conditions:
Hereditary cancer-predisposing syndrome. Also called: Hereditary neoplastic syndrome; Neoplastic Syndromes, Hereditary; Hereditary Cancer Syndrome; Tumor predisposition. Identifiers: Orphanet 140162, MedGen C0027672, MeSH D009386, MONDO:0015356.
Bloom syndrome (BLM). Also called: Bloom-Torre-Machacek syndrome. Identifiers: Orphanet 125, MedGen C0005859, MONDO:0008876, OMIM 210900.

Allele frequency attached by ClinVar (database versions not stated): gnomAD exomes below 0.00001.
gnomAD v4.1: 1 of 1,614,048 alleles (0.000062%); highest among the groups gnomAD compares: South Asian, 0.0011%; no homozygotes.

Submissions (3):

Ambry Genetics
Classification: Uncertain significance for Hereditary cancer-predisposing syndrome. Last evaluated: 2025-05-02. Review status: criteria provided, single submitter. Criteria: Ambry Variant Classification Scheme 2023. Collection method: clinical testing. Allele origin: germline.
Comment: The p.R1144G variant (also known as c.3430A>G), located in coding exon 17 of the BLM gene, results from an A to G substitution at nucleotide position 3430. The arginine at codon 1144 is replaced by glycine, an amino acid with dissimilar properties. This amino acid position is conserved. In addition, this alteration is predicted to be deleterious by in silico analysis. Based on the available evidence, the clinical significance of this variant remains unclear.

Fulgent Genetics
Classification: Uncertain significance for Bloom syndrome. Last evaluated: 2024-06-12. Review status: criteria provided, single submitter. Criteria: ACMG Guidelines, 2015. Collection method: clinical testing. Allele origin: germline.

Labcorp Genetics (formerly Invitae), Labcorp
Classification: Uncertain significance for Bloom syndrome. Last evaluated: 2023-10-13. Review status: criteria provided, single submitter. Criteria: Invitae Variant Classification Sherloc (09022015). Collection method: clinical testing. Allele origin: germline.
Comment: This sequence change replaces arginine, which is basic and polar, with glycine, which is neutral and non-polar, at codon 1144 of the BLM protein (p.Arg1144Gly). This variant is not present in population databases (gnomAD no frequency). This variant has not been reported in the literature in individuals affected with BLM-related conditions. ClinVar contains an entry for this variant (Variation ID: 1720569). Advanced modeling of protein sequence and biophysical properties (such as structural, functional, and spatial information, amino acid conservation, physicochemical variation, residue mobility, and thermodynamic stability) performed at Invitae indicates that this missense variant is expected to disrupt BLM protein function. In summary, the available evidence is currently insufficient to determine the role of this variant in disease. Therefore, it has been classified as a Variant of Uncertain Significance.

NM_000057.4(BLM):c.3430A>G (p.Arg1144Gly)

Gene: BLM (BLM RecQ like helicase; plus strand). Cytogenetic location: 15q26.1.
Variant type: single nucleotide variant.
Coding change: c.3430A>G on transcript NM_000057.4 (MANE Select); coding-DNA position 3430, A replaced by G.
Protein change: p.Arg1144Gly; replaces arginine 1144 with glycine.
Molecular consequence: missense variant. On other transcripts: intron variant (1).
Genome position (GRCh38, 1-based): chr15:90,803,592, A>G. VCF-style: chr15-90803592-A-G. GRCh37 (hg19) VCF-style: chr15-91346822-A-G.
Other names: c.3430A>G, p.Arg1144Gly (NM_001287246.2); c.2305A>G, p.Arg769Gly (NM_001287248.2); c.3358+5255A>G (NM_001287247.2); short protein forms R1144G, R769G.
Identifiers: ClinVar variation 1720569 (VCV001720569.8), dbSNP rs2505547022, ClinGen allele CA393847574.
Genomic context (GRCh38, chr15:90,803,592, plus strand): 5'-GCAAAAATCCAGTCAGGTATATTTGGAAAAGGATCTGCTTATTCACGACACAATGCCGAA[A>G]GACTTTTTAAAAAGCTGATACTTGACAAGATTTTGGATGAAGACTTATATATCAATGCCA-3'
Protein context (NP_000048.1, residues 1134-1154): GSAYSRHNAE[Arg1144Gly]LFKKLILDKI